The following is an entry in ClinVar:

ClinVar aggregate classification (germline): Likely benign (1 of 4 stars; one submission).

Allele frequency attached by ClinVar (database versions not stated): gnomAD exomes 0.00001; ExAC 0.00002; TOPMed 0.00002; gnomAD 0.00003.
gnomAD v4.1: 22 of 1,614,012 alleles (0.0014%); highest among the groups gnomAD compares: Non-Finnish European, 0.0018%; no homozygotes.

Submission:

CeGaT Center for Human Genetics Tuebingen
Classification: Likely benign. Last evaluated: 2022-07-01. Review status: criteria provided, single submitter. Criteria: CeGaT Center For Human Genetics Tuebingen Variant Classification Criteria Version 2. Collection method: clinical testing. Allele origin: germline. Affected: yes. Observed: 1 variant allele.
Comment: ZMYND8: BP4

NM_001281775.3(ZMYND8):c.948A>G (p.Leu316=)

Gene: ZMYND8 (zinc finger MYND-type containing 8; minus strand). Cytogenetic location: 20q13.12.
Variant type: single nucleotide variant.
Coding change: c.948A>G on transcript NM_001281775.3 (MANE Select); coding-DNA position 948, A replaced by G.
Protein change: p.Leu316=; no amino-acid change (leucine 316 retained).
Molecular consequence: synonymous variant.
Genome position (GRCh38, 1-based): chr20:47,282,152, T>C on the plus strand (A>G on the coding strand, the complement: ZMYND8 is on the minus strand). VCF-style: chr20-47282152-T-C. GRCh37 (hg19) VCF-style: chr20-45910896-T-C.
Other names: c.873A>G, p.Leu291= (NM_001281782.3, NM_001281784.3, NM_183048.4 and 4 more transcripts); c.948A>G, p.Leu316= (NM_001281783.3, NM_012408.6, NM_183047.4 and 1 more transcripts); c.969A>G, p.Leu323= (NM_001363714.1); c.888A>G, p.Leu296= (NM_001363741.2, NM_001281772.3, NM_001281773.3 and 1 more transcripts); c.144A>G, p.Leu48= (NM_001281779.3, NM_001281780.3).
Identifiers: ClinVar variation 2652374 (VCV002652374.24), dbSNP rs755016751, ClinGen allele CA9893759.